The following is an entry in ClinVar:

ClinVar aggregate classification (germline): Uncertain significance. Review status: criteria provided, multiple submitters, no conflicts (2 of 4 stars). 3 submissions from 3 submitters: Uncertain significance (3). Last evaluated 2026-01-14.

Conditions:
Emery-Dreifuss muscular dystrophy 4, autosomal dominant (EDMD4). Also called: EMERY-DREIFUSS MUSCULAR DYSTROPHY 4 WITH VARIABLE FEATURES. Identifiers: Orphanet 261, MedGen C2751807, MONDO:0013071, OMIM 612998.
Autosomal recessive ataxia, Beauce type. Also called: Spinocerebellar ataxia, autosomal recessive 8; ATAXIA, RECESSIVE, OF BEAUCE; SYNE1-Related Autosomal Recessive Cerebellar Ataxia; SYNE1 Deficiency. Identifiers: Orphanet 88644, MedGen C1853116, MONDO:0012549, OMIM 610743.

Allele frequency attached by ClinVar (database versions not stated): gnomAD 0.00001; ExAC 0.00002; TOPMed 0.00003; gnomAD exomes 0.00004; 1000 Genomes Project 30x 0.00016; 1000 Genomes Project 0.00020.
gnomAD v4.1: 39 of 1,614,092 alleles (0.0024%); highest among the groups gnomAD compares: East Asian, 0.016%; no homozygotes.

Submissions (3):

Labcorp Genetics (formerly Invitae), Labcorp
Classification: Uncertain significance for Emery-Dreifuss muscular dystrophy 4, autosomal dominant; Autosomal recessive ataxia, Beauce type. Last evaluated: 2026-01-14. Review status: criteria provided, single submitter. Criteria: Invitae Variant Classification Sherloc (09022015). Collection method: clinical testing. Allele origin: germline.
Comment: This sequence change replaces glycine, which is neutral and non-polar, with arginine, which is basic and polar, at codon 1540 of the SYNE1 protein (p.Gly1540Arg). This variant is present in population databases (rs573641821, gnomAD 0.01%). This variant has not been reported in the literature in individuals affected with SYNE1-related conditions. ClinVar contains an entry for this variant (Variation ID: 452054). An algorithm developed to predict the effect of missense changes on protein structure and function (PolyPhen-2) suggests that this variant is likely to be tolerated. In summary, the available evidence is currently insufficient to determine the role of this variant in disease. Therefore, it has been classified as a Variant of Uncertain Significance.

GeneDx
Classification: Uncertain significance. Last evaluated: 2017-09-15. Review status: criteria provided, single submitter. Criteria: GeneDx Variant Classification (06012015). Collection method: clinical testing. Allele origin: germline. Affected: yes.
Comment: A variant of uncertain significance has been identified in the SYNE1 gene. The G1540R variant has not been published as a pathogenic variant, nor has it been reported as a benign variant to our knowledge. The G1540R variant is not observed at a significant frequency in large population cohorts (Lek et al., 2016; 1000 Genomes Consortium et al., 2015; Exome Variant Server). The G1540R variant is a non-conservative amino acid substitution, which is likely to impact secondary protein structure as these residues differ in polarity, charge, size and/or other properties. However, this substitution occurs at a position that is not conserved; and in silico analysis predicts this variant likely does not alter the protein structure/function. Therefore, based on the currently available information, it is unclear whether this variant is a pathogenic variant or a rare benign variant.

Eurofins Ntd Llc (ga)
Classification: Uncertain significance. Last evaluated: 2017-05-12. Review status: criteria provided, single submitter. Criteria: EGL Classification Definitions 2015. Collection method: clinical testing. Allele origin: germline. Observed: 1 variant allele, 1 heterozygote.

NM_182961.4(SYNE1):c.4597G>A (p.Gly1533Arg)

Gene: SYNE1 (spectrin repeat containing nuclear envelope protein 1; minus strand). Cytogenetic location: 6q25.2.
Variant type: single nucleotide variant.
Coding change: c.4597G>A on transcript NM_182961.4 (MANE Select); coding-DNA position 4597, G replaced by A.
Protein change: p.Gly1533Arg; replaces glycine 1533 with arginine.
Molecular consequence: missense variant.
Genome position (GRCh38, 1-based): chr6:152,430,574, C>T on the plus strand (G>A on the coding strand, the complement: SYNE1 is on the minus strand). VCF-style: chr6-152430574-C-T. GRCh37 (hg19) VCF-style: chr6-152751709-C-T.
Other names: c.4618G>A, p.Gly1540Arg (NM_033071.5); short protein forms G1533R, G1540R.
Identifiers: ClinVar variation 452054 (VCV000452054.13), dbSNP rs573641821, ClinGen allele CA4058519.
Genomic context (GRCh38, chr6:152,430,574, plus strand): 5'-GAGATAAATGTCCCAGGATTGTTCCTTCCAGACACTGTGCATGCTCTCGAAGCTCTTCCC[C>T]GTATCTTCTTATTTGTGTCAACTTGGCTTTAATTCGAGCAGATTCTCCAGTGGTAACAAA-3'
Protein context (NP_892006.3, residues 1523-1543): KAKLTQIRRY[Gly1533Arg]EELREHAQCL